The following is an entry in ClinVar:

NM_058216.3(RAD51C):c.223T>C (p.Tyr75His)

Gene: RAD51C (RAD51 paralog C; plus strand). Cytogenetic location: 17q22.
Variant type: single nucleotide variant.
Coding change: c.223T>C on transcript NM_058216.3 (MANE Select); coding-DNA position 223, T replaced by C.
Protein change: p.Tyr75His; replaces tyrosine 75 with histidine.
Molecular consequence: missense variant. On other transcripts: non-coding transcript variant (2).
Genome position (GRCh38, 1-based): chr17:58,695,008, T>C. VCF-style: chr17-58695008-T-C. GRCh37 (hg19) VCF-style: chr17-56772369-T-C.
Other names: c.223T>C, p.Tyr75His (NM_002876.4, NM_058217.1); short protein forms Y75H.
Identifiers: ClinVar variation 1788264 (VCV001788264.3), dbSNP rs2143720302, ClinGen allele CA400340162.

ClinVar aggregate classification (germline): Conflicting classifications of pathogenicity. Review status: criteria provided, conflicting classifications (1 of 4 stars). 2 submissions from 2 submitters: Uncertain significance (1); Likely benign (1). Last evaluated 2026-01-27.

Conditions:
Fanconi anemia complementation group O. Also called: RAD51C-Related Fanconi Anemia. Identifiers: Orphanet 84, MedGen C3150653, MONDO:0013248, OMIM 613390.
Hereditary cancer-predisposing syndrome. Also called: Tumor predisposition; Neoplastic Syndromes, Hereditary; Hereditary Cancer Syndrome; Hereditary neoplastic syndrome. Identifiers: Orphanet 140162, MedGen C0027672, MeSH D009386, MONDO:0015356.

Allele frequency attached by ClinVar (database versions not stated): gnomAD exomes below 0.00001.
gnomAD v4.1: 1 of 1,614,098 alleles (0.000062%); highest among the groups gnomAD compares: Non-Finnish European, 0.000085%; no homozygotes.

Submissions (2):

Labcorp Genetics (formerly Invitae), Labcorp
Classification: Uncertain significance for Fanconi anemia complementation group O. Last evaluated: 2026-01-27. Review status: criteria provided, single submitter. Criteria: Invitae Variant Classification Sherloc (09022015). Collection method: clinical testing. Allele origin: germline.
Comment: This sequence change replaces tyrosine, which is neutral and polar, with histidine, which is basic and polar, at codon 75 of the RAD51C protein (p.Tyr75His). This variant is not present in population databases (gnomAD no frequency). This variant has not been reported in the literature in individuals affected with RAD51C-related conditions. ClinVar contains an entry for this variant (Variation ID: 1788264). An algorithm developed to predict the effect of missense changes on protein structure and function outputs the following: PolyPhen-2: "Benign". The histidine amino acid residue is found in multiple mammalian species, which suggests that this missense change does not adversely affect protein function. In summary, the available evidence is currently insufficient to determine the role of this variant in disease. Therefore, it has been classified as a Variant of Uncertain Significance.

Ambry Genetics
Classification: Likely benign for Hereditary cancer-predisposing syndrome. Last evaluated: 2024-02-26. Review status: criteria provided, single submitter. Criteria: Ambry Variant Classification Scheme 2023. Collection method: clinical testing. Allele origin: germline.